The following is an entry in ClinVar:

NM_001429.4(EP300):c.6659C>T (p.Pro2220Leu)

Gene: EP300 (EP300 lysine acetyltransferase; plus strand). Cytogenetic location: 22q13.2.
Variant type: single nucleotide variant.
Coding change: c.6659C>T on transcript NM_001429.4 (MANE Select); coding-DNA position 6659, C replaced by T.
Protein change: p.Pro2220Leu; replaces proline 2220 with leucine.
Molecular consequence: missense variant.
Genome position (GRCh38, 1-based): chr22:41,178,370, C>T. VCF-style: chr22-41178370-C-T. GRCh37 (hg19) VCF-style: chr22-41574374-C-T.
Other names: c.6659C>T (NM_001429.3); c.6581C>T, p.Pro2194Leu (NM_001362843.2); short protein forms P2194L, P2220L.
Identifiers: ClinVar variation 1675322 (VCV001675322.4), dbSNP rs555467754, ClinGen allele CA411682464.

ClinVar aggregate classification (germline): Conflicting classifications of pathogenicity. Review status: criteria provided, conflicting classifications (1 of 4 stars). 2 submissions from 2 submitters: Likely pathogenic (1); Uncertain significance (1). Last evaluated 2026-01-13.

gnomAD v4.1: 1 of 1,614,168 alleles (0.000062%); highest among the groups gnomAD compares: African/African-American, 0.0013%; no homozygotes.

Submissions (2):

GeneDx
Classification: Uncertain significance. Last evaluated: 2026-01-13. Review status: criteria provided, single submitter. Criteria: GeneDx Variant Classification Process June 2021. Collection method: clinical testing. Allele origin: germline. Affected: yes.
Comment: In silico analysis supports that this missense variant has a deleterious effect on protein structure/function; Has not been previously published as pathogenic or benign to our knowledge

Institute of Human Genetics, Clinical Exome/Genome Diagnostics Group, University Hospital Bonn
Classification: Likely pathogenic. Last evaluated: 2022-03-11. Review status: criteria provided, single submitter. Criteria: ACMG Guidelines, 2015. Collection method: clinical testing. Allele origin: germline. Affected: yes.
Comment: PS2, PM2